The following is an entry in ClinVar:

ClinVar aggregate classification (germline): Uncertain significance. Review status: criteria provided, multiple submitters, no conflicts (2 of 4 stars). 2 submissions from 2 submitters: Uncertain significance (2). Last evaluated 2023-11-30.

Conditions:
Hereditary cancer-predisposing syndrome. Also called: Neoplastic Syndromes, Hereditary; Tumor predisposition; Hereditary neoplastic syndrome; Hereditary Cancer Syndrome. Identifiers: Orphanet 140162, MedGen C0027672, MeSH D009386, MONDO:0015356.
Multiple endocrine neoplasia, type 2 (MEN2). Identifiers: Orphanet 653, MedGen C4048306, MONDO:0019003. Disease mechanism: gain of function.

Submissions (2):

All of Us Research Program, National Institutes of Health
Classification: Uncertain significance for Multiple endocrine neoplasia, type 2. Last evaluated: 2023-11-30. Review status: criteria provided, single submitter. Criteria: ACMG Guidelines, 2015. Collection method: clinical testing. Allele origin: germline. Inheritance: Autosomal dominant inheritance. Observed: 1 variant allele, 1 heterozygote.
Comment: This study involves interpretation of variants in research participants for the purpose of population health screening. Participant phenotype was not available at the time of variant classification. Additional details can be found in publication PMID: 35346344, PMCID: PMC8962531

Ambry Genetics
Classification: Uncertain significance for Hereditary cancer-predisposing syndrome. Last evaluated: 2023-10-26. Review status: criteria provided, single submitter. Criteria: Ambry Variant Classification Scheme 2023. Collection method: clinical testing. Allele origin: germline.
Comment: The p.G506A variant (also known as c.1517G>C), located in coding exon 7 of the RET gene, results from a G to C substitution at nucleotide position 1517. The glycine at codon 506 is replaced by alanine, an amino acid with similar properties. This amino acid position is conserved. In addition, the in silico prediction for this alteration is inconclusive. Since supporting evidence is limited at this time, the clinical significance of this alteration remains unclear.

NM_020975.6(RET):c.1517G>C (p.Gly506Ala)

Gene: RET (ret proto-oncogene; plus strand). Cytogenetic location: 10q11.21.
Variant type: single nucleotide variant.
Coding change: c.1517G>C on transcript NM_020975.6 (MANE Select); coding-DNA position 1517, G replaced by C.
Protein change: p.Gly506Ala; replaces glycine 506 with alanine.
Molecular consequence: missense variant. On other transcripts: intron variant (15).
Genome position (GRCh38, 1-based): chr10:43,111,460, G>C. VCF-style: chr10-43111460-G-C. GRCh37 (hg19) VCF-style: chr10-43606908-G-C.
Other names: c.1517G>C, p.Gly506Ala (NM_000323.2, NM_001406743.1, NM_001406744.1 and 6 more transcripts); c.755G>C, p.Gly252Ala (NM_001355216.2); c.1388G>C, p.Gly463Ala (NM_001406761.1, NM_001406762.1, NM_001406764.1 and 1 more transcripts); c.1229G>C, p.Gly410Ala (NM_001406766.1, NM_001406767.1, NM_001406770.1); c.1121G>C, p.Gly374Ala (NM_001406769.1, NM_001406772.1); c.1079G>C, p.Gly360Ala (NM_001406771.1, NM_001406773.1); c.992G>C, p.Gly331Ala (NM_001406774.1); c.791G>C, p.Gly264Ala (NM_001406775.1, NM_001406776.1, NM_001406777.1 and 1 more transcripts); and 5 more; short protein forms G176A, G252A, G264A, G331A, G360A, G374A, G410A, G463A.
Identifiers: ClinVar variation 3073934 (VCV003073934.2), dbSNP rs1273035640, ClinGen allele CA376550038.